The following is an entry in ClinVar:

ClinVar aggregate classification (germline): Pathogenic/Likely pathogenic. Review status: criteria provided, multiple submitters, no conflicts (2 of 4 stars). 2 submissions from 2 submitters: Pathogenic (1); Likely pathogenic (1). Last evaluated 2023-03-01.

Conditions:
Intellectual developmental disorder with dysmorphic facies and behavioral abnormalities. Identifiers: MedGen C4748135, MONDO:0060760, OMIM 618089.

Submissions (2):

CeGaT Center for Human Genetics Tuebingen
Classification: Pathogenic. Last evaluated: 2023-03-01. Review status: criteria provided, single submitter. Criteria: CeGaT Center For Human Genetics Tuebingen Variant Classification Criteria Version 2. Collection method: clinical testing. Allele origin: germline. Affected: yes. Observed: 1 variant allele.
Comment: FBXO11: PVS1, PS2, PM2

Institute of Human Genetics, University of Leipzig Medical Center
Classification: Likely pathogenic for Intellectual developmental disorder with dysmorphic facies and behavioral abnormalities. Last evaluated: 2021-12-21. Review status: criteria provided, single submitter. Criteria: ACMG Guidelines, 2015. Collection method: research. Allele origin: de novo. Affected: yes.

Literature cited by the submitters: PubMed 34505148 (cited by Institute of Human Genetics, University of Leipzig Medical Center).

NM_001190274.2(FBXO11):c.2224C>T (p.Arg742Ter)

Gene: FBXO11 (F-box protein 11; minus strand). Cytogenetic location: 2p16.3.
Variant type: single nucleotide variant.
Coding change: c.2224C>T on transcript NM_001190274.2 (MANE Select); coding-DNA position 2224, C replaced by T.
Protein change: p.Arg742Ter; replaces arginine 742 with a stop codon.
Molecular consequence: nonsense.
Genome position (GRCh38, 1-based): chr2:47,813,237, G>A on the plus strand (C>T on the coding strand, the complement: FBXO11 is on the minus strand). VCF-style: chr2-47813237-G-A. GRCh37 (hg19) VCF-style: chr2-48040376-G-A.
Other names: c.1972C>T, p.Arg658Ter (NM_001374325.1, NM_025133.4); short protein forms R658*, R742*.
Identifiers: ClinVar variation 1329863 (VCV001329863.29), dbSNP rs2104657995, ClinGen allele CA346763155.